The following is an entry in ClinVar:

ClinVar aggregate classification (germline): Likely benign (0 of 4 stars; one submission).

Conditions:
DGAT2L6-related disorder. Also called: DGAT2L6-related condition.

Allele frequency attached by ClinVar (database versions not stated): gnomAD exomes 0.00005; ExAC 0.00021; 1000 Genomes Project 30x 0.00042; gnomAD 0.00047; 1000 Genomes Project 0.00053; ESP Exome Variant Server 0.00057.
gnomAD v4.1: 109 of 1,209,535 alleles (0.009%); highest among the groups gnomAD compares: African/African-American, 0.15%; no homozygotes.

Submission:

PreventionGenetics, part of Exact Sciences
Classification: Likely benign for DGAT2L6-related condition. Last evaluated: 2019-07-10. Review status: no assertion criteria provided. Collection method: clinical testing. Allele origin: germline.
Comment: This variant is classified as likely benign based on ACMG/AMP sequence variant interpretation guidelines (Richards et al. 2015 PMID: 25741868, with internal and published modifications).

NM_198512.3(DGAT2L6):c.801G>T (p.Arg267=)

Gene: DGAT2L6 (diacylglycerol O-acyltransferase 2 like 6; plus strand). Cytogenetic location: Xq13.1.
Variant type: single nucleotide variant.
Coding change: c.801G>T on transcript NM_198512.3 (MANE Select); coding-DNA position 801, G replaced by T.
Protein change: p.Arg267=; no amino-acid change (arginine 267 retained).
Molecular consequence: synonymous variant.
Genome position (GRCh38, 1-based): chrX:70,204,458, G>T. VCF-style: chrX-70204458-G-T. GRCh37 (hg19) VCF-style: chrX-69424308-G-T.
Identifiers: ClinVar variation 3042676 (VCV003042676.2), dbSNP rs140170619, ClinGen allele CA10439759.